The following is an entry in ClinVar:

ClinVar aggregate classification (germline): Benign/Likely benign. Review status: criteria provided, multiple submitters, no conflicts (2 of 4 stars). 2 submissions from 2 submitters: Benign (1); Likely benign (1). Last evaluated 2025-01-23.

Conditions:
Hereditary cancer-predisposing syndrome. Also called: Hereditary Cancer Syndrome; Hereditary neoplastic syndrome; Neoplastic Syndromes, Hereditary; Tumor predisposition. Identifiers: Orphanet 140162, MedGen C0027672, MeSH D009386, MONDO:0015356.
Lynch syndrome 4 (LYNCH4). Also called: Colorectal cancer, hereditary nonpolyposis, type 4; Hereditary non-polyposis colorectal cancer, type 4. Identifiers: Orphanet 144, MedGen C1838333, MONDO:0013699, OMIM 614337. Disease mechanism: loss of function.

Submissions (2):

Myriad Genetics, Inc.
Classification: Benign for Lynch syndrome 4. Last evaluated: 2025-01-23. Review status: criteria provided, single submitter. Criteria: Myriad Autosomal Dominant, Autosomal Recessive and X-Linked Classification Criteria (2023). Collection method: clinical testing. Allele origin: unknown.
Comment: This variant is considered benign. This variant is a silent/synonymous amino acid change and it is not expected to impact splicing.

Ambry Genetics
Classification: Likely benign for Hereditary cancer-predisposing syndrome. Last evaluated: 2021-07-17. Review status: criteria provided, single submitter. Criteria: Ambry Variant Classification Scheme 2023. Collection method: clinical testing. Allele origin: germline.

NM_000535.7(PMS2):c.12T>A (p.Ala4=)

Gene: PMS2 (PMS1 homolog 2, mismatch repair system component; minus strand). Cytogenetic location: 7p22.1.
Variant type: single nucleotide variant.
Coding change: c.12T>A on transcript NM_000535.7 (MANE Select); coding-DNA position 12, T replaced by A.
Protein change: p.Ala4=; no amino-acid change (alanine 4 retained).
Molecular consequence: synonymous variant. On other transcripts: 5 prime UTR variant (45), non-coding transcript variant (1).
Genome position (GRCh38, 1-based): chr7:6,009,008, A>T on the plus strand (T>A on the coding strand, the complement: PMS2 is on the minus strand). VCF-style: chr7-6009008-A-T. GRCh37 (hg19) VCF-style: chr7-6048639-A-T.
Other names: c.-389T>A (NM_001018040.1, NM_001322003.2, NM_001322013.2 and 5 more transcripts); c.-254T>A (NM_001322004.2, NM_001322010.2, NM_001406911.1); c.-584T>A (NM_001322005.2); c.12T>A, p.Ala4= (NM_001322006.2, NM_001322014.2, NM_001406866.1 and 11 more transcripts); c.-204T>A (NM_001322007.2, NM_001406876.1, NM_001406896.1 and 2 more transcripts); c.-64T>A (NM_001322008.2); c.-579T>A (NM_001322009.2, NM_001406897.1); c.-873T>A (NM_001322011.2); and 19 more.
Identifiers: ClinVar variation 1769380 (VCV001769380.3), dbSNP rs776136427, ClinGen allele CA453650898.